The following is an entry in ClinVar:

ClinVar aggregate classification (germline): Conflicting classifications of pathogenicity. Review status: criteria provided, conflicting classifications (1 of 4 stars). 2 submissions from 2 submitters: Uncertain significance (1); Likely benign (1). Last evaluated 2025-07-30.

Allele frequency attached by ClinVar (database versions not stated): 1000 Genomes Project 30x 0.00031; gnomAD 0.00032; ESP Exome Variant Server 0.00038; 1000 Genomes Project 0.00040.
gnomAD v4.1: 853 of 1,614,028 alleles (0.053%); highest among the groups gnomAD compares: Non-Finnish European, 0.067%; 1 homozygote.

Submissions (2):

Labcorp Genetics (formerly Invitae), Labcorp
Classification: Uncertain significance. Last evaluated: 2025-07-30. Review status: criteria provided, single submitter. Criteria: Invitae Variant Classification Sherloc (09022015). Collection method: clinical testing. Allele origin: germline.
Comment: This sequence change replaces arginine, which is basic and polar, with leucine, which is neutral and non-polar, at codon 526 of the PPP2R5C protein (p.Arg526Leu). This variant is present in population databases (rs147942579, gnomAD 0.08%), and has an allele count higher than expected for a pathogenic variant. This variant has not been reported in the literature in individuals affected with PPP2R5C-related conditions. ClinVar contains an entry for this variant (Variation ID: 2644558). An algorithm developed to predict the effect of missense changes on protein structure and function (PolyPhen-2) suggests that this variant is likely to be tolerated. In summary, the available evidence is currently insufficient to determine the role of this variant in disease. Therefore, it has been classified as a Variant of Uncertain Significance.

CeGaT Center for Human Genetics Tuebingen
Classification: Likely benign. Last evaluated: 2023-05-01. Review status: criteria provided, single submitter. Criteria: CeGaT Center For Human Genetics Tuebingen Variant Classification Criteria Version 2. Collection method: clinical testing. Allele origin: germline. Affected: yes. Observed: 2 variant alleles.
Comment: PPP2R5C: BS2

NM_001352913.2(PPP2R5C):c.1649G>T (p.Arg550Leu)

Gene: PPP2R5C (protein phosphatase 2 regulatory subunit B'gamma; plus strand). Cytogenetic location: 14q32.31.
Variant type: single nucleotide variant.
Coding change: c.1649G>T on transcript NM_001352913.2 (MANE Select); coding-DNA position 1649, G replaced by T.
Protein change: p.Arg550Leu; replaces arginine 550 with leucine.
Molecular consequence: missense variant.
Genome position (GRCh38, 1-based): chr14:101,925,181, G>T. VCF-style: chr14-101925181-G-T. GRCh37 (hg19) VCF-style: chr14-102391518-G-T.
Other names: c.1577G>T, p.Arg526Leu (NM_001161725.2); c.1532G>T, p.Arg511Leu (NM_001161726.2); c.1367G>T, p.Arg456Leu (NM_001352912.1, NM_178586.3); c.1547G>T, p.Arg516Leu (NM_001352914.2); c.1259G>T, p.Arg420Leu (NM_001352915.2); c.1142G>T, p.Arg381Leu (NM_001352916.2); c.1484G>T, p.Arg495Leu (NM_002719.4); short protein forms R381L, R420L, R456L, R495L, R511L, R516L, R526L, R550L.
Identifiers: ClinVar variation 2644558 (VCV002644558.27), dbSNP rs147942579, ClinGen allele CA7351379.